The following is an entry in ClinVar:

ClinVar aggregate classification (germline): Uncertain significance (1 of 4 stars; one submission).

Conditions:
Autosomal recessive limb-girdle muscular dystrophy type 2J (LGMDR10). Also called: Limb-girdle muscular dystrophy, type 2J; MUSCULAR DYSTROPHY, LIMB-GIRDLE, AUTOSOMAL RECESSIVE 10. Identifiers: Orphanet 140922, MedGen C1837342, MONDO:0012127, OMIM 608807.
Dilated cardiomyopathy 1G (CMD1G). Identifiers: Orphanet 154, MedGen C1858763, MONDO:0011400, OMIM 604145.

gnomAD v4.1: 4 of 1,612,922 alleles (0.00025%); highest among the groups gnomAD compares: Non-Finnish European, 0.00025%; no homozygotes.

Submission:

Labcorp Genetics (formerly Invitae), Labcorp
Classification: Uncertain significance for Dilated cardiomyopathy 1G; Autosomal recessive limb-girdle muscular dystrophy type 2J. Last evaluated: 2024-09-15. Review status: criteria provided, single submitter. Criteria: Invitae Variant Classification Sherloc (09022015). Collection method: clinical testing. Allele origin: germline.
Comment: This sequence change replaces threonine, which is neutral and polar, with serine, which is neutral and polar, at codon 35663 of the TTN protein (p.Thr35663Ser). This variant is not present in population databases (gnomAD no frequency). This variant has not been reported in the literature in individuals affected with TTN-related conditions. Experimental studies and prediction algorithms are not available or were not evaluated, and the functional significance of this variant is currently unknown. This variant is located in the M band of TTN (PMID: 25589632). Non-truncating variants in this region may be relevant for neuromuscular disorders, but have not been definitively shown to cause cardiomyopathy (PMID: 23975875). In summary, the available evidence is currently insufficient to determine the role of this variant in disease. Therefore, it has been classified as a Variant of Uncertain Significance.

Literature cited by the submitters: PubMed 25589632; PubMed 23975875.

NM_001267550.2(TTN):c.106988C>G (p.Thr35663Ser)

Genes: TTN-AS1 (TTN antisense RNA 1; plus strand), TTN (titin; minus strand). Cytogenetic location: 2q31.2.
Variant type: single nucleotide variant.
Coding change: c.106988C>G on transcript NM_001267550.2 (MANE Select); coding-DNA position 106988, C replaced by G.
Protein change: p.Thr35663Ser; replaces threonine 35663 with serine.
Molecular consequence: missense variant.
Genome position (GRCh38, 1-based): chr2:178,528,763, G>C on the plus strand (C>G on the coding strand, the complement: TTN is on the minus strand). VCF-style: chr2-178528763-G-C. GRCh37 (hg19) VCF-style: chr2-179393490-G-C.
Other names: c.102065C>G, p.Thr34022Ser (NM_001256850.1); c.79793C>G, p.Thr26598Ser (NM_003319.4); c.99284C>G, p.Thr33095Ser (NM_133378.4); c.80168C>G, p.Thr26723Ser (NM_133432.3); c.80369C>G, p.Thr26790Ser (NM_133437.4); short protein forms T26598S, T26723S, T26790S, T33095S, T34022S, T35663S.
Identifiers: ClinVar variation 3764022 (VCV003764022.2).
Genomic context (GRCh38, chr2:178,528,763, plus strand): 5'-TCCTTGGTTTTGCTTATGCAGGTGAGGATTCCTTCATCTCTGTGACTGGCTTGCTTGATG[G>C]TTAGGGTCTGATCGCTGCCTGAGACACCATATCGGTACTCCTCAGAGTTGGTAAGCTCTA-3'
Protein context (NP_001254479.2, residues 35653-35673): YGVSGSDQTL[Thr35663Ser]IKQASHRDEG